The following is an entry in ClinVar:

NC_000002.11:g.(?_203329522)_(203379712_?)del

Gene: BMPR2 (bone morphogenetic protein receptor type 2; plus strand). Cytogenetic location: 2q33.2.
Variant type: Deletion.
Identifiers: ClinVar variation 1409534 (VCV001409534.6).

ClinVar aggregate classification (germline): Pathogenic (1 of 4 stars; one submission).

Conditions:
Primary pulmonary hypertension. Also called: Idiopathic pulmonary hypertension. Identifiers: MedGen C0152171.

Submission:

Labcorp Genetics (formerly Invitae), Labcorp
Classification: Pathogenic for Primary pulmonary hypertension. Last evaluated: 2020-11-21. Review status: criteria provided, single submitter. Criteria: Invitae Variant Classification Sherloc (09022015). Collection method: clinical testing. Allele origin: germline.
Comment: For these reasons, this variant has been classified as Pathogenic. A similar copy number variant has been observed in individual(s) with pulmonary arterial hypertension (PMID: 26387786). This variant is a gross deletion of the genomic region encompassing exon(s) 2-5 of the BMPR2 gene. This deletion is out-of-frame, and is expected to create a premature translational stop signal and result in an absent or disrupted protein product. Loss-of-function variants in BMPR2 are known to be pathogenic (PMID: 16429395).

Literature cited by the submitters: PubMed 26387786; PubMed 16429395.